The following is an entry in ClinVar:

NM_006922.4(SCN3A):c.5159A>T (p.Asn1720Ile)

Gene: SCN3A (sodium voltage-gated channel alpha subunit 3; minus strand). Cytogenetic location: 2q24.3.
Variant type: single nucleotide variant.
Coding change: c.5159A>T on transcript NM_006922.4 (MANE Select); coding-DNA position 5159, A replaced by T.
Protein change: p.Asn1720Ile; replaces asparagine 1720 with isoleucine.
Molecular consequence: missense variant.
Genome position (GRCh38, 1-based): chr2:165,090,994, T>A on the plus strand (A>T on the coding strand, the complement: SCN3A is on the minus strand). VCF-style: chr2-165090994-T-A. GRCh37 (hg19) VCF-style: chr2-165947504-T-A.
Other names: c.5012A>T, p.Asn1671Ile (NM_001081676.2, NM_001081677.2); short protein forms N1671I, N1720I.
Identifiers: ClinVar variation 4293572 (VCV004293572.2).

ClinVar aggregate classification (germline): Uncertain significance (1 of 4 stars; one submission).

Conditions:
Developmental and epileptic encephalopathy, 62. Also called: Early infantile epileptic encephalopathy 62. Identifiers: MedGen C4693699, MONDO:0033371, OMIM 617938.

Submission:

3billion
Classification: Uncertain significance for Developmental and epileptic encephalopathy, 62. Last evaluated: 2025-09-19. Review status: criteria provided, single submitter. Criteria: ACMG Guidelines, 2015. Collection method: clinical testing. Allele origin: germline. Affected: yes.
Comment: The variant is not observed in the gnomAD v4.1.0 dataset. Predicted Consequence/Location: Missense variant. Missense changes are a common disease-causing mechanism. In silico tool predictions suggest damaging effect of the variant on gene or gene product [REVEL: 0.84 (>=0.6, sensitivity 0.68 and specificity 0.92); 3Cnet: 0.99 (> 0.75, sensitivity 0.96 and precision 0.92)]. Therefore, this variant is classified as VUS according to the recommendation of ACMG/AMP guideline.